The following is an entry in ClinVar:

ClinVar aggregate classification (germline): Pathogenic/Likely pathogenic. Review status: criteria provided, multiple submitters, no conflicts (2 of 4 stars). 3 submissions from 3 submitters: Pathogenic (1); Likely pathogenic (2). Last evaluated 2026-08-11.

Conditions:
Multiple endocrine neoplasia, type 1 (MEN1). Also called: MEN I; WERMER SYNDROME; Endocrine adenomatosis multiple; MEN 1; MEA I. Identifiers: Orphanet 652, MedGen C0025267, MeSH D018761, MONDO:0007540, OMIM 131100.
Hereditary cancer-predisposing syndrome. Also called: Hereditary Cancer Syndrome; Hereditary neoplastic syndrome; Neoplastic Syndromes, Hereditary; Tumor predisposition. Identifiers: Orphanet 140162, MedGen C0027672, MeSH D009386, MONDO:0015356.

Submissions (3):

Ambry Genetics
Classification: Pathogenic for Hereditary cancer-predisposing syndrome. Last evaluated: 2026-08-11. Review status: criteria provided, single submitter. Criteria: Ambry Variant Classification Scheme 2023. Collection method: clinical testing. Allele origin: germline.
Comment: The p.A337P pathogenic mutation (also known as c.1009G>C), located in coding exon 6 of the MEN1 gene, results from a G to C substitution at nucleotide position 1009. The alanine at codon 337 is replaced by proline, an amino acid with highly similar properties. This variant was reported in individual(s) with features consistent with multiple endocrine neoplasia type 1 (Pieterman CR et al. Ann Surg, 2012 Jun;255:1171-8; Roijers JF et al. Eur J Clin Invest, 2000 Jun;30:487-92.; Ambry internal data). Based on internal structural analysis, this variant is more disruptive than known pathogenic variants (Ambry internal data). This amino acid position is highly conserved in available vertebrate species. In addition, this alteration is predicted to be deleterious by in silico analysis. This variant is considered to be rare based on population cohorts in the Genome Aggregation Database (gnomAD). Based on the supporting evidence, this variant is interpreted as a disease-causing mutation.

Myriad Genetics, Inc.
Classification: Likely pathogenic for Multiple endocrine neoplasia, type 1. Last evaluated: 2026-07-23. Review status: criteria provided, single submitter. Criteria: Myriad Autosomal Dominant, Autosomal Recessive and X-Linked Classification Criteria (2023). Collection method: clinical testing. Allele origin: unknown.
Comment: This variant is considered likely pathogenic. This variant has been reported in multiple individuals with clinical features of gene-specific disease [PMID: 10849016, 22470073; external communications 2026]. This variant is expected to disrupt protein structure [Myriad internal data].

Labcorp Genetics (formerly Invitae), Labcorp
Classification: Likely pathogenic for Multiple endocrine neoplasia, type 1. Last evaluated: 2021-07-13. Review status: criteria provided, single submitter. Criteria: Invitae Variant Classification Sherloc (09022015). Collection method: clinical testing. Allele origin: germline.
Comment: This sequence change replaces alanine with proline at codon 337 of the MEN1 protein (p.Ala337Pro). The alanine residue is highly conserved and there is a small physicochemical difference between alanine and proline. This variant is not present in population databases (ExAC no frequency). This variant has been observed in individual(s) with multiple endocrine neoplasia type 1 (PMID: 10849016, 22470073, Invitae). This variant is also known as c.1024G>C (p.Ala342Pro) and c.1119G>C. ClinVar contains an entry for this variant (Variation ID: 403806). Algorithms developed to predict the effect of missense changes on protein structure and function are either unavailable or do not agree on the potential impact of this missense change (SIFT: "Deleterious"; PolyPhen-2: "Benign"; Align-GVGD: "Class C25"). This variant disrupts the p.Ala337 amino acid residue in MEN1. Other variant(s) that disrupt this residue have been determined to be pathogenic (PMID: 9683585, 22026581, 12746426, 15635078, Invitae). This suggests that this residue is clinically significant, and that variants that disrupt this residue are likely to be disease-causing. In summary, the currently available evidence indicates that the variant is pathogenic, but additional data are needed to prove that conclusively. Therefore, this variant has been classified as Likely Pathogenic.

Literature cited by the submitters: PubMed 10849016 (cited by 3 submitters); PubMed 22470073 (cited by 3 submitters); PubMed 9683585 (cited by Labcorp Genetics (formerly Invitae), Labcorp); PubMed 22026581 (cited by Labcorp Genetics (formerly Invitae), Labcorp); PubMed 12746426 (cited by Labcorp Genetics (formerly Invitae), Labcorp); PubMed 15635078 (cited by Labcorp Genetics (formerly Invitae), Labcorp).

NM_001370259.2(MEN1):c.1009G>C (p.Ala337Pro)

Gene: MEN1 (menin 1; minus strand). Cytogenetic location: 11q13.1.
Variant type: single nucleotide variant.
Coding change: c.1009G>C on transcript NM_001370259.2 (MANE Select); coding-DNA position 1009, G replaced by C.
Protein change: p.Ala337Pro; replaces alanine 337 with proline.
Molecular consequence: missense variant.
Genome position (GRCh38, 1-based): chr11:64,806,272, C>G on the plus strand (G>C on the coding strand, the complement: MEN1 is on the minus strand). VCF-style: chr11-64806272-C-G. GRCh37 (hg19) VCF-style: chr11-64573744-C-G.
Other names: c.1024G>C, p.Ala342Pro (NM_000244.4, NM_130800.3, NM_130801.3 and 3 more transcripts); c.1009G>C, p.Ala337Pro (NM_001370251.2, NM_001370260.2, NM_001370261.2 and 1 more transcripts); c.904G>C, p.Ala302Pro (NM_001370262.2, NM_001370263.2); short protein forms A337P, A342P, A302P.
Identifiers: ClinVar variation 403806 (VCV000403806.10), dbSNP rs2071312, ClinGen allele CA16613621.